The following is an entry in ClinVar:

ClinVar aggregate classification (germline): Likely pathogenic (1 of 4 stars; one submission).

Submission:

Labcorp Genetics (formerly Invitae), Labcorp
Classification: Likely pathogenic. Last evaluated: 2024-02-20. Review status: criteria provided, single submitter. Criteria: Invitae Variant Classification Sherloc (09022015). Collection method: clinical testing. Allele origin: germline.
Comment: This sequence change affects an acceptor splice site in intron 3 of the CHRNG gene. It is expected to disrupt RNA splicing. Variants that disrupt the donor or acceptor splice site typically lead to a loss of protein function (PMID: 16199547), and loss-of-function variants in CHRNG are known to be pathogenic (PMID: 16826520). This variant is not present in population databases (gnomAD no frequency). This variant has not been reported in the literature in individuals affected with CHRNG-related conditions. Algorithms developed to predict the effect of sequence changes on RNA splicing suggest that this variant may disrupt the consensus splice site. In summary, the currently available evidence indicates that the variant is pathogenic, but additional data are needed to prove that conclusively. Therefore, this variant has been classified as Likely Pathogenic.

Literature cited by the submitters: PubMed 16199547; PubMed 16826520.

NM_005199.5(CHRNG):c.241-2A>T

Gene: CHRNG (cholinergic receptor nicotinic gamma subunit; plus strand). Cytogenetic location: 2q37.1.
Variant type: single nucleotide variant.
Coding change: c.241-2A>T on transcript NM_005199.5 (MANE Select); the canonical splice acceptor site of the intron before coding-DNA position 241, A replaced by T.
Molecular consequence: splice acceptor variant.
Genome position (GRCh38, 1-based): chr2:232,540,600, A>T. VCF-style: chr2-232540600-A-T. GRCh37 (hg19) VCF-style: chr2-233405310-A-T.
Identifiers: ClinVar variation 3642248 (VCV003642248.2).
Genomic context (GRCh38, chr2:232,540,600, plus strand): 5'-CCACTCCTAGGGCTGTGGTGCAGCAGAGGGCAGAGGCCTAGCAACTGCCCCTCCCCCTGC[A>T]GCAGTGGTGCGACTATCGCCTGCGCTGGGATCCGCGAGACTACGAAGGCCTGTGGGTGCT-3'